The following is an entry in ClinVar:

ClinVar aggregate classification (germline): Uncertain significance. Review status: criteria provided, multiple submitters, no conflicts (2 of 4 stars). 2 submissions from 2 submitters: Uncertain significance (2). Last evaluated 2025-12-15.

Conditions:
Cardiovascular phenotype. Identifiers: MedGen CN230736.
Dilated cardiomyopathy 1W (CMD1W). Identifiers: Orphanet 154, MedGen C1969639, MONDO:0012667, OMIM 611407.

gnomAD v4.1: 6 of 1,614,090 alleles (0.00037%); highest among the groups gnomAD compares: African/African-American, 0.0053%; no homozygotes.

Submissions (2):

Labcorp Genetics (formerly Invitae), Labcorp
Classification: Uncertain significance for Dilated cardiomyopathy 1W. Last evaluated: 2025-12-15. Review status: criteria provided, single submitter. Criteria: Invitae Variant Classification Sherloc (09022015). Collection method: clinical testing. Allele origin: germline.
Comment: This sequence change replaces arginine, which is basic and polar, with leucine, which is neutral and non-polar, at codon 372 of the VCL protein (p.Arg372Leu). This variant is present in population databases (rs377289804, gnomAD 0.02%). This variant has not been reported in the literature in individuals affected with VCL-related conditions. ClinVar contains an entry for this variant (Variation ID: 3467796). An algorithm developed to predict the effect of missense changes on protein structure and function (PolyPhen-2) suggests that this variant is likely to be disruptive. In summary, the available evidence is currently insufficient to determine the role of this variant in disease. Therefore, it has been classified as a Variant of Uncertain Significance.

Ambry Genetics
Classification: Uncertain significance for Cardiovascular phenotype. Last evaluated: 2024-08-12. Review status: criteria provided, single submitter. Criteria: Ambry Variant Classification Scheme 2023. Collection method: clinical testing. Allele origin: germline.
Comment: The p.R372L variant (also known as c.1115G>T), located in coding exon 9 of the VCL gene, results from a G to T substitution at nucleotide position 1115. The arginine at codon 372 is replaced by leucine, an amino acid with dissimilar properties. This amino acid position is conserved. In addition, the in silico prediction for this alteration is inconclusive. Based on the available evidence, the clinical significance of this variant remains unclear.

NM_014000.3(VCL):c.1115G>T (p.Arg372Leu)

Gene: VCL (vinculin; plus strand). Cytogenetic location: 10q22.2.
Variant type: single nucleotide variant.
Coding change: c.1115G>T on transcript NM_014000.3 (MANE Select); coding-DNA position 1115, G replaced by T.
Protein change: p.Arg372Leu; replaces arginine 372 with leucine.
Molecular consequence: missense variant.
Genome position (GRCh38, 1-based): chr10:74,089,288, G>T. VCF-style: chr10-74089288-G-T. GRCh37 (hg19) VCF-style: chr10-75849046-G-T.
Other names: c.1115G>T, p.Arg372Leu (NM_003373.4); short protein forms R372L.
Identifiers: ClinVar variation 3467796 (VCV003467796.2).
Genomic context (GRCh38, chr10:74,089,288, plus strand): 5'-AAGCTCAGCAGGTATCTCAGGGTCTGGATGTGCTCACAGCAAAAGTGGAAAATGCAGCTC[G>T]CAAGCTGGAAGCCATGACCAACTCAAAGCAGAGCATTGCAAAGAAGATCGATGCTGCTCA-3'
Protein context (NP_054706.1, residues 362-382): VLTAKVENAA[Arg372Leu]KLEAMTNSKQ